The following is an entry in ClinVar:

NM_000235.4(LIPA):c.288C>T (p.Val96=)

Gene: LIPA (lipase A, lysosomal acid type; minus strand). Cytogenetic location: 10q23.31.
Variant type: single nucleotide variant.
Coding change: c.288C>T on transcript NM_000235.4 (MANE Select); coding-DNA position 288, C replaced by T.
Protein change: p.Val96=; no amino-acid change (valine 96 retained).
Molecular consequence: synonymous variant. On other transcripts: 5 prime UTR variant (1).
Genome position (GRCh38, 1-based): chr10:89,228,340, G>A on the plus strand (C>T on the coding strand, the complement: LIPA is on the minus strand). VCF-style: chr10-89228340-G-A. GRCh37 (hg19) VCF-style: chr10-90988097-G-A.
Other names: c.288C>T, p.Val96= (NM_001127605.3); c.-61C>T (NM_001288979.2); c.288C>T (NM_000235.3).
Identifiers: ClinVar variation 1126976 (VCV001126976.12), dbSNP rs1842797794, ClinGen allele CA470739216.

ClinVar aggregate classification (germline): Likely benign. Review status: criteria provided, multiple submitters, no conflicts (2 of 4 stars). 3 submissions from 3 submitters: Likely benign (3). Last evaluated 2025-12-23.

Conditions:
Wolman disease (WOLD). Also called: Infantile-Onset LAL-D (Wolman Disease); Wolman disease, CESD; LYSOSOMAL ACID LIPASE DEFICIENCY, ACUTE INFANTILE; LYSOSOMAL ACID LIPASE DEFICIENCY, COMPLETE; LIPA DEFICIENCY, COMPLETE; LAL DEFICIENCY, COMPLETE. Identifiers: Orphanet 75233, MedGen C0043208, MONDO:0019148, OMIM 620151.
LIPA-related disorder. Also called: LIPA-related condition; LIPA-related disorders.
Cardiovascular phenotype. Identifiers: MedGen CN230736.

Allele frequency attached by ClinVar (database versions not stated): TOPMed 0.00003; gnomAD 0.00001.
gnomAD v4.1: 2 of 1,614,090 alleles (0.00012%); highest among the groups gnomAD compares: Admixed American, 0.0017%; no homozygotes.

Submissions (3):

Labcorp Genetics (formerly Invitae), Labcorp
Classification: Likely benign for Wolman disease. Last evaluated: 2025-12-23. Review status: criteria provided, single submitter. Criteria: Invitae Variant Classification Sherloc (09022015). Collection method: clinical testing. Allele origin: germline.

PreventionGenetics, part of Exact Sciences
Classification: Likely benign for LIPA-related condition. Last evaluated: 2025-09-22. Review status: criteria provided, single submitter. Criteria: ACMG Guidelines, 2015. Collection method: clinical testing. Allele origin: germline.
Comment: This variant is classified as likely benign based on ACMG/AMP sequence variant interpretation guidelines (Richards et al. 2015 PMID: 25741868, with internal and published modifications).

Ambry Genetics
Classification: Likely benign for Cardiovascular phenotype. Last evaluated: 2021-10-07. Review status: criteria provided, single submitter. Criteria: Ambry Variant Classification Scheme 2023. Collection method: clinical testing. Allele origin: germline.